The following is an entry in ClinVar:

NM_014991.6(WDFY3):c.10280T>G (p.Val3427Gly)

Gene: WDFY3 (WD repeat and FYVE domain containing 3; minus strand). Cytogenetic location: 4q21.23.
Variant type: single nucleotide variant.
Coding change: c.10280T>G on transcript NM_014991.6 (MANE Select); coding-DNA position 10280, T replaced by G.
Protein change: p.Val3427Gly; replaces valine 3427 with glycine.
Molecular consequence: missense variant.
Genome position (GRCh38, 1-based): chr4:84,677,376, A>C on the plus strand (T>G on the coding strand, the complement: WDFY3 is on the minus strand). VCF-style: chr4-84677376-A-C. GRCh37 (hg19) VCF-style: chr4-85598529-A-C.
Other names: short protein forms V3427G.
Identifiers: ClinVar variation 1705012 (VCV001705012.2), dbSNP rs2530303529, ClinGen allele CA357265346.

ClinVar aggregate classification (germline): Uncertain significance (1 of 4 stars; one submission).

Submission:

GeneDx
Classification: Uncertain significance. Last evaluated: 2022-03-07. Review status: criteria provided, single submitter. Criteria: GeneDx Variant Classification Process June 2021. Collection method: clinical testing. Allele origin: germline. Affected: yes.
Comment: Not observed at significant frequency in large population cohorts (gnomAD); In silico analysis supports that this missense variant has a deleterious effect on protein structure/function; Has not been previously published as pathogenic or benign to our knowledge